The following is an entry in ClinVar:

NM_007289.4(MME):c.1730G>T (p.Gly577Val)

Gene: MME (membrane metalloendopeptidase; plus strand). Cytogenetic location: 3q25.2.
Variant type: single nucleotide variant.
Coding change: c.1730G>T on transcript NM_007289.4 (MANE Select); coding-DNA position 1730, G replaced by T.
Protein change: p.Gly577Val; replaces glycine 577 with valine.
Molecular consequence: missense variant.
Genome position (GRCh38, 1-based): chr3:155,166,971, G>T. VCF-style: chr3-155166971-G-T. GRCh37 (hg19) VCF-style: chr3-154884760-G-T.
Other names: c.1730G>T, p.Gly577Val (NM_000902.5, NM_001354642.2, NM_001354643.1 and 2 more transcripts); short protein forms G577V.
Identifiers: ClinVar variation 1512637 (VCV001512637.8), dbSNP rs371862411, ClinGen allele CA86315584.

ClinVar aggregate classification (germline): Uncertain significance (1 of 4 stars; one submission).

Submission:

Labcorp Genetics (formerly Invitae), Labcorp
Classification: Uncertain significance. Last evaluated: 2021-02-21. Review status: criteria provided, single submitter. Criteria: Invitae Variant Classification Sherloc (09022015). Collection method: clinical testing. Allele origin: germline.
Comment: In summary, the available evidence is currently insufficient to determine the role of this variant in disease. Therefore, it has been classified as a Variant of Uncertain Significance. Algorithms developed to predict the effect of missense changes on protein structure and function are either unavailable or do not agree on the potential impact of this missense change (SIFT: "Deleterious"; PolyPhen-2: "Probably Damaging"; Align-GVGD: "Class C0"). This variant has not been reported in the literature in individuals with MME-related conditions. This variant is not present in population databases (ExAC no frequency). This sequence change replaces glycine with valine at codon 577 of the MME protein (p.Gly577Val). The glycine residue is highly conserved and there is a moderate physicochemical difference between glycine and valine.